The following is an entry in ClinVar:

ClinVar aggregate classification (germline): Uncertain significance (1 of 4 stars; one submission).

Conditions:
TNF receptor-associated periodic fever syndrome (TRAPS) (FPF). Also called: FAMILIAL HIBERNIAN FEVER; TNF Receptor-Associated Periodic Fever Syndrome; TNF receptor 1-associated periodic fever syndrome; TNF RECEPTOR-ASSOCIATED PERIODIC SYNDROME; TUMOR NECROSIS FACTOR RECEPTOR-ASSOCIATED PERIODIC SYNDROME; Autosomal Dominant Familial Periodic Fever. Identifiers: Orphanet 32960, MedGen C1275126, MONDO:0007727, OMIM 142680.

Allele frequency attached by ClinVar (database versions not stated): gnomAD 0.00001; gnomAD exomes 0.00001; TOPMed 0.00002.
gnomAD v4.1: 78 of 1,604,494 alleles (0.0049%); highest among the groups gnomAD compares: Non-Finnish European, 0.0059%; no homozygotes.

Submission:

Labcorp Genetics (formerly Invitae), Labcorp
Classification: Uncertain significance for TNF receptor-associated periodic fever syndrome (TRAPS). Last evaluated: 2025-12-16. Review status: criteria provided, single submitter. Criteria: Invitae Variant Classification Sherloc (09022015). Collection method: clinical testing. Allele origin: germline.
Comment: This sequence change replaces isoleucine, which is neutral and non-polar, with valine, which is neutral and non-polar, at codon 334 of the TNFRSF1A protein (p.Ile334Val). This variant is present in population databases (no rsID available, gnomAD 0.003%). This missense change has been observed in individual(s) with clinical features of TRAPS (internal data). ClinVar contains an entry for this variant (Variation ID: 1417336). Invitae Evidence Modeling of protein sequence and biophysical properties (such as structural, functional, and spatial information, amino acid conservation, physicochemical variation, residue mobility, and thermodynamic stability) indicates that this missense variant is not expected to disrupt TNFRSF1A protein function with a negative predictive value of 95%. In summary, the available evidence is currently insufficient to determine the role of this variant in disease. Therefore, it has been classified as a Variant of Uncertain Significance.

NM_001065.4(TNFRSF1A):c.1000A>G (p.Ile334Val)

Gene: TNFRSF1A (TNF receptor superfamily member 1A; minus strand). Cytogenetic location: 12p13.31.
Variant type: single nucleotide variant.
Coding change: c.1000A>G on transcript NM_001065.4 (MANE Select); coding-DNA position 1000, A replaced by G.
Protein change: p.Ile334Val; replaces isoleucine 334 with valine.
Molecular consequence: missense variant. On other transcripts: non-coding transcript variant (1).
Genome position (GRCh38, 1-based): chr12:6,329,835, T>C on the plus strand (A>G on the coding strand, the complement: TNFRSF1A is on the minus strand). VCF-style: chr12-6329835-T-C. GRCh37 (hg19) VCF-style: chr12-6439001-T-C.
Other names: c.676A>G, p.Ile226Val (NM_001346091.2); c.541A>G, p.Ile181Val (NM_001346092.2); short protein forms I181V, I226V, I334V.
Identifiers: ClinVar variation 1417336 (VCV001417336.8), dbSNP rs1178535061, ClinGen allele CA383545692.